The following is an entry in ClinVar:

NM_006231.4(POLE):c.6116G>T (p.Gly2039Val)

Gene: POLE (DNA polymerase epsilon, catalytic subunit; minus strand). Cytogenetic location: 12q24.33.
Variant type: single nucleotide variant.
Coding change: c.6116G>T on transcript NM_006231.4 (MANE Select); coding-DNA position 6116, G replaced by T.
Protein change: p.Gly2039Val; replaces glycine 2039 with valine.
Molecular consequence: missense variant.
Genome position (GRCh38, 1-based): chr12:132,632,684, C>A on the plus strand (G>T on the coding strand, the complement: POLE is on the minus strand). VCF-style: chr12-132632684-C-A. GRCh37 (hg19) VCF-style: chr12-133209270-C-A.
Other names: short protein forms G2039V.
Identifiers: ClinVar variation 2817512 (VCV002817512.3), dbSNP rs1555220961, ClinGen allele CA387370326.

ClinVar aggregate classification (germline): Uncertain significance (1 of 4 stars; one submission).

Submission:

Labcorp Genetics (formerly Invitae), Labcorp
Classification: Uncertain significance. Last evaluated: 2023-11-20. Review status: criteria provided, single submitter. Criteria: Invitae Variant Classification Sherloc (09022015). Collection method: clinical testing. Allele origin: germline.
Comment: This sequence change replaces glycine, which is neutral and non-polar, with valine, which is neutral and non-polar, at codon 2039 of the POLE protein (p.Gly2039Val). This variant is not present in population databases (gnomAD no frequency). This variant has not been reported in the literature in individuals affected with POLE-related conditions. Advanced modeling of protein sequence and biophysical properties (such as structural, functional, and spatial information, amino acid conservation, physicochemical variation, residue mobility, and thermodynamic stability) performed at Invitae indicates that this missense variant is not expected to disrupt POLE protein function with a negative predictive value of 80%. In summary, the available evidence is currently insufficient to determine the role of this variant in disease. Therefore, it has been classified as a Variant of Uncertain Significance.